The following is an entry in ClinVar:

ClinVar aggregate classification (germline): Likely benign (1 of 4 stars; one submission).

Allele frequency attached by ClinVar (database versions not stated): TOPMed 0.01096; gnomAD 0.01110 and 0.01329; 1000 Genomes Project 30x 0.03201; 1000 Genomes Project 0.03375.
gnomAD v4.1: 2,007 of 152,266 alleles (1.3%); highest among the groups gnomAD compares: East Asian, 6.6%; 32 homozygotes.

Submission:

GeneDx
Classification: Likely benign. Last evaluated: 2018-06-14. Review status: criteria provided, single submitter. Criteria: GeneDx Variant Classification (06012015). Collection method: clinical testing. Allele origin: germline. Affected: yes.
Comment: This variant is considered likely benign or benign based on one or more of the following criteria: it is a conservative change, it occurs at a poorly conserved position in the protein, it is predicted to be benign by multiple in silico algorithms, and/or has population frequency not consistent with disease.

NM_006329.4(FBLN5):c.125-274A>G

Gene: FBLN5 (fibulin 5; minus strand). Cytogenetic location: 14q32.12.
Variant type: single nucleotide variant.
Coding change: c.125-274A>G on transcript NM_006329.4 (MANE Select); 274 bases into the intron before coding-DNA position 125, A replaced by G.
Molecular consequence: intron variant.
Genome position (GRCh38, 1-based): chr14:91,937,475, T>C on the plus strand (A>G on the coding strand, the complement: FBLN5 is on the minus strand). VCF-style: chr14-91937475-T-C. GRCh37 (hg19) VCF-style: chr14-92403819-T-C.
Other names: c.125-274A>G (NM_001384160.1); c.248-274A>G (NM_001384158.1); c.-44-274A>G (NM_001384162.1, NM_001384161.1); c.176-274A>G (NM_001384159.1).
Identifiers: ClinVar variation 683512 (VCV000683512.1), dbSNP rs58235990, ClinGen allele CA265608076.